The following is an entry in ClinVar:

ClinVar aggregate classification (germline): Likely benign. Review status: criteria provided, multiple submitters, no conflicts (2 of 4 stars). 2 submissions from 2 submitters: Likely benign (2). Last evaluated 2025-04-17.

Conditions:
Multiple endocrine neoplasia, type 2 (MEN2). Identifiers: Orphanet 653, MedGen C4048306, MONDO:0019003. Disease mechanism: gain of function.
Multiple endocrine neoplasia type 2A. Also called: Multiple Endocrine Neoplasia Type 2A (MEN2A); MULTIPLE ENDOCRINE NEOPLASIA, TYPE IIA; PTC SYNDROME; SIPPLE SYNDROME; MEN 2A; MEN-2A syndrome. Identifiers: Orphanet 247698, Orphanet 653, MedGen C0025268, MeSH D018813, MONDO:0008234, OMIM 171400.

gnomAD v4.1: 2 of 1,606,998 alleles (0.00012%); highest among the groups gnomAD compares: Admixed American, 0.0033%; no homozygotes.

Submissions (2):

Labcorp Genetics (formerly Invitae), Labcorp
Classification: Likely benign for Multiple endocrine neoplasia, type 2. Last evaluated: 2025-04-17. Review status: criteria provided, single submitter. Criteria: Invitae Variant Classification Sherloc (09022015). Collection method: clinical testing. Allele origin: germline.

Myriad Genetics, Inc.
Classification: Likely benign for Multiple endocrine neoplasia type 2A. Last evaluated: 2025-02-25. Review status: criteria provided, single submitter. Criteria: Myriad Autosomal Dominant, Autosomal Recessive and X-Linked Classification Criteria (2023). Collection method: clinical testing. Allele origin: unknown.
Comment: This variant is considered likely benign. This variant is intronic and is not expected to impact mRNA splicing.

NM_020975.6(RET):c.868-16C>T

Gene: RET (ret proto-oncogene; plus strand). Cytogenetic location: 10q11.21.
Variant type: single nucleotide variant.
Coding change: c.868-16C>T on transcript NM_020975.6 (MANE Select); 16 bases into the intron before coding-DNA position 868, C replaced by T.
Molecular consequence: intron variant.
Genome position (GRCh38, 1-based): chr10:43,106,360, C>T. VCF-style: chr10-43106360-C-T. GRCh37 (hg19) VCF-style: chr10-43601808-C-T.
Other names: c.868-16C>T (NM_001406744.1, NM_001406759.1, NM_001406760.1 and 4 more transcripts); c.867+1167C>T (NM_001406772.1, NM_001406769.1); c.625+3731C>T (NM_001406781.1, NM_001406787.1, NM_001406785.1 and 3 more transcripts); c.739-16C>T (NM_001406764.1, NM_001406762.1, NM_001406761.1 and 1 more transcripts); c.626-2671C>T (NM_001406773.1, NM_001406771.1); c.738+1167C>T (NM_001406774.1); c.496+3731C>T (NM_001406786.1, NM_001406783.1); c.580-16C>T (NM_001406770.1, NM_001406766.1, NM_001406767.1); and 5 more.
Identifiers: ClinVar variation 3718566 (VCV003718566.3).